The following is an entry in ClinVar:

ClinVar aggregate classification (germline): Uncertain significance. Review status: criteria provided, multiple submitters, no conflicts (2 of 4 stars). 2 submissions from 2 submitters: Uncertain significance (2). Last evaluated 2025-05-22.

Allele frequency attached by ClinVar (database versions not stated): TOPMed 0.00002; ExAC 0.00005; 1000 Genomes Project 30x 0.00016; 1000 Genomes Project 0.00020.
gnomAD v4.1: 25 of 1,550,020 alleles (0.0016%); highest among the groups gnomAD compares: African/African-American, 0.0028%; no homozygotes.

Submissions (2):

GeneDx
Classification: Uncertain significance. Last evaluated: 2025-05-22. Review status: criteria provided, single submitter. Criteria: GeneDx Variant Classification Process June 2021. Collection method: clinical testing. Allele origin: germline. Affected: yes.
Comment: In silico analysis suggests that this missense variant does not alter protein structure/function; Has not been previously published as pathogenic or benign to our knowledge

Ambry Genetics
Classification: Uncertain significance. Last evaluated: 2022-09-07. Review status: criteria provided, single submitter. Criteria: Ambry Variant Classification Scheme 2023. Collection method: clinical testing. Allele origin: germline.

NM_001394372.1(BICRA):c.2948C>T (p.Pro983Leu)

Gene: BICRA (BRD4 interacting chromatin remodeling complex associated protein; plus strand). Cytogenetic location: 19q13.33.
Variant type: single nucleotide variant.
Coding change: c.2948C>T on transcript NM_001394372.1 (MANE Select); coding-DNA position 2948, C replaced by T.
Protein change: p.Pro983Leu; replaces proline 983 with leucine.
Molecular consequence: missense variant.
Genome position (GRCh38, 1-based): chr19:47,694,952, C>T. VCF-style: chr19-47694952-C-T. GRCh37 (hg19) VCF-style: chr19-48198209-C-T.
Other names: c.2948C>T, p.Pro983Leu (NM_015711.3); short protein forms P983L.
Identifiers: ClinVar variation 3133907 (VCV003133907.2), dbSNP rs531030654, ClinGen allele CA9542061.
Genomic context (GRCh38, chr19:47,694,952, plus strand): 5'-CTCCTCAGGTGCCGTCCGGAATCATCCTCCAGAACAAGGCTGGGGGGGCCCCTGCCGCCC[C>T]GCAGACCTCCACCAGCCTGGGGCCCCTCACCAGCCCCGCTGCGTCTGTGCTGGTCAGTGG-3'
Protein context (NP_001381301.1, residues 973-993): QNKAGGAPAA[Pro983Leu]QTSTSLGPLT